The following is an entry in ClinVar:

NM_000094.4(COL7A1):c.1946C>T (p.Ala649Val)

Gene: COL7A1 (collagen type VII alpha 1 chain; minus strand). Cytogenetic location: 3p21.31.
Variant type: single nucleotide variant.
Coding change: c.1946C>T on transcript NM_000094.4 (MANE Select); coding-DNA position 1946, C replaced by T.
Protein change: p.Ala649Val; replaces alanine 649 with valine.
Molecular consequence: missense variant.
Genome position (GRCh38, 1-based): chr3:48,590,317, G>A on the plus strand (C>T on the coding strand, the complement: COL7A1 is on the minus strand). VCF-style: chr3-48590317-G-A. GRCh37 (hg19) VCF-style: chr3-48627750-G-A.
Other names: short protein forms A649V.
Identifiers: ClinVar variation 2200212 (VCV002200212.2), dbSNP rs1382242304, ClinGen allele CA352727044.
Genomic context (GRCh38, chr3:48,590,317, plus strand): 5'-CGCAGTACCGACACAGCCACCTGGTAGGTGGTTCCAGGCTGCAGCCCTGTGATGTCTGTG[G>A]CAGTAGAGTCTGGGGGCAGTGTCTGGCTGGACTCCGGACCTGAGGTCAGAGGGAAATGCT-3'
Protein context (NP_000085.1, residues 639-659): SSQTLPPDST[Ala649Val]TDITGLQPGT

ClinVar aggregate classification (germline): Conflicting classifications of pathogenicity. Review status: criteria provided, conflicting classifications (1 of 4 stars). 2 submissions from 2 submitters: Uncertain significance (1); Likely benign (1). Last evaluated 2026-07-08.

Conditions:
Inborn genetic diseases. Identifiers: MedGen C0950123, MeSH D030342.

Allele frequency attached by ClinVar (database versions not stated): TOPMed below 0.00001; gnomAD exomes 0.00002.
gnomAD v4.1: 26 of 1,614,108 alleles (0.0016%); highest among the groups gnomAD compares: Non-Finnish European, 0.0022%; no homozygotes.

Submissions (2):

Ambry Genetics
Classification: Likely benign for Inborn genetic diseases. Last evaluated: 2026-07-08. Review status: criteria provided, single submitter. Criteria: Ambry Variant Classification Scheme 2023. Collection method: clinical testing. Allele origin: germline.

Labcorp Genetics (formerly Invitae), Labcorp
Classification: Uncertain significance. Last evaluated: 2022-06-16. Review status: criteria provided, single submitter. Criteria: Invitae Variant Classification Sherloc (09022015). Collection method: clinical testing. Allele origin: germline.
Comment: This sequence change replaces alanine, which is neutral and non-polar, with valine, which is neutral and non-polar, at codon 649 of the COL7A1 protein (p.Ala649Val). This variant is present in population databases (no rsID available, gnomAD 0.002%). This variant has not been reported in the literature in individuals affected with COL7A1-related conditions. Advanced modeling of protein sequence and biophysical properties (such as structural, functional, and spatial information, amino acid conservation, physicochemical variation, residue mobility, and thermodynamic stability) performed at Invitae indicates that this missense variant is not expected to disrupt COL7A1 protein function. In summary, the available evidence is currently insufficient to determine the role of this variant in disease. Therefore, it has been classified as a Variant of Uncertain Significance.